The following is an entry in ClinVar:

ClinVar aggregate classification (germline): Pathogenic (1 of 4 stars; one submission).

Conditions:
Muscular dystrophy-dystroglycanopathy (congenital with brain and eye anomalies), type a, 11 (MDDGA11). Also called: Congenital muscular dystrophy-dystroglycanopathy with brain and eye anomalies, type A11; Muscular dystrophy-dystroglycanopathy (congenital with brain and eye anomalies, type A, 11; WALKER-WARBURG SYNDROME OR MUSCLE-EYE-BRAIN DISEASE, B3GALNT2-RELATED. Identifiers: Orphanet 588, Orphanet 899, MedGen C3554638, MONDO:0014071, OMIM 615181.

Submission:

Labcorp Genetics (formerly Invitae), Labcorp
Classification: Pathogenic for Muscular dystrophy-dystroglycanopathy (congenital with brain and eye anomalies), type a, 11. Last evaluated: 2022-08-23. Review status: criteria provided, single submitter. Criteria: Invitae Variant Classification Sherloc (09022015). Collection method: clinical testing. Allele origin: germline.
Comment: This variant is present in population databases (rs781339765, gnomAD 0.003%). For these reasons, this variant has been classified as Pathogenic. ClinVar contains an entry for this variant (Variation ID: 1451522). This variant has not been reported in the literature in individuals affected with B3GALNT2-related conditions. This sequence change creates a premature translational stop signal (p.Asp356*) in the B3GALNT2 gene. It is expected to result in an absent or disrupted protein product. Loss-of-function variants in B3GALNT2 are known to be pathogenic (PMID: 23453667).

Literature cited by the submitters: PubMed 23453667.

NM_152490.5(B3GALNT2):c.1066_1067del (p.Thr355_Asp356insTer)

Gene: B3GALNT2 (beta-1,3-N-acetylgalactosaminyltransferase 2; minus strand). Cytogenetic location: 1q42.3.
Variant type: Deletion.
Coding change: c.1066_1067del on transcript NM_152490.5 (MANE Select); coding-DNA positions 1066 to 1067, 2 bases deleted (GA; older notation c.1066_1067delGA).
Protein change: p.Thr355_Asp356insTer.
Molecular consequence: nonsense.
Genome position (GRCh38, 1-based): chr1:235,455,643-235,455,644, TC deleted on the plus strand (GA on the coding strand, the reverse complement: B3GALNT2 is on the minus strand); deleting any 2 consecutive bases within chr1:235,455,643-235,455,645 gives the same sequence; the c. name uses the placement nearest the transcript's 3' end. VCF-style (leftmost placement, unchanged base first): chr1-235455642-ATC-A. GRCh37 (hg19) VCF-style: chr1-235618954-ATC-A.
Identifiers: ClinVar variation 1451522 (VCV001451522.6), dbSNP rs781339765, ClinGen allele CA1464702.
Genomic context (GRCh38, chr1:235,455,642, plus strand): 5'-ATCCAGATTCTTTTGGACAATCCTATTAAATACAGCTTCGAGGTCTATGTAACAGTCATC[ATC>A]TGTCTTCAGCAACAAATTGAAGCTCGTTGTTTCCACAGTCCTGTTGACACAAAAGGGATA-3'